The following is an entry in ClinVar:

NM_007198.4(PLPBP):c.370_373del (p.Asp124fs)

Gene: PLPBP (pyridoxal phosphate binding protein; plus strand). Cytogenetic location: 8p11.23.
Variant type: Deletion.
Coding change: c.370_373del on transcript NM_007198.4 (MANE Select); coding-DNA positions 370 to 373, 4 bases deleted (GACA; older notation c.370_373delGACA).
Protein change: p.Asp124fs; shifts the reading frame from aspartic acid 124.
Molecular consequence: frameshift variant.
Genome position (GRCh38, 1-based): chr8:37,772,805-37,772,808, GACA deleted; deleting any 4 consecutive bases within chr8:37,772,803-37,772,808 gives the same sequence; the c. name uses the placement nearest the transcript's 3' end. VCF-style (leftmost placement, unchanged base first): chr8-37772802-GCAGA-G. GRCh37 (hg19) VCF-style: chr8-37630320-GCAGA-G.
Other names: c.370_373del, p.Asp124fs (NM_001349346.2); c.364_367del, p.Asp122fs (NM_001349347.2); c.214_217del, p.Asp72fs (NM_001349348.2); c.370_373del (NM_007198.3); short protein forms D72fs, D124fs, D122fs.
Identifiers: ClinVar variation 503895 (VCV000503895.11), dbSNP rs755595256, ClinGen allele CA4711221.

ClinVar aggregate classification (germline): Pathogenic. Review status: criteria provided, multiple submitters, no conflicts (2 of 4 stars). 5 submissions from 5 submitters: Pathogenic (5). Last evaluated 2025-09-27.

Conditions:
PLPBP & PROSC-related disorders.
Epilepsy, early-onset, vitamin B6-dependent. Also called: EPILEPSY, EARLY-ONSET, 1, VITAMIN B6-DEPENDENT; PLPBP Deficiency. Identifiers: MedGen C4310632, MONDO:0015005, OMIM 617290.

Submissions (5):

Labcorp Genetics (formerly Invitae), Labcorp
Classification: Pathogenic. Last evaluated: 2025-09-27. Review status: criteria provided, single submitter. Criteria: Invitae Variant Classification Sherloc (09022015). Collection method: clinical testing. Allele origin: germline.
Comment: This sequence change creates a premature translational stop signal (p.Asp124Lysfs*2) in the PROSC gene. It is expected to result in an absent or disrupted protein product. Loss-of-function variants in PROSC are known to be pathogenic (PMID: 27912044). This variant is present in population databases (rs755595256, gnomAD 0.01%). This premature translational stop signal has been observed in individual(s) with clinical features of autosomal recessive pyridoxine-dependent epilepsy (PMID: 30160830, 33977028). ClinVar contains an entry for this variant (Variation ID: 503895). For these reasons, this variant has been classified as Pathogenic.

GeneDx
Classification: Pathogenic. Last evaluated: 2025-07-31. Review status: criteria provided, single submitter. Criteria: GeneDx Variant Classification Process June 2021. Collection method: clinical testing. Allele origin: germline. Affected: yes.
Comment: Frameshift variant predicted to result in protein truncation or nonsense mediated decay in a gene for which loss-of-function is a known mechanism of disease; This variant is associated with the following publications: (PMID: 30160830, 36786328, 30668673, Michel2024[CaseReport], 37451483, 33977028, 36324377)

Blueprint Genetics
Classification: Pathogenic for PLPBP & PROSC-related disorders. Last evaluated: 2024-11-21. Review status: criteria provided, single submitter. Criteria: ACMG Guidelines, 2015. Collection method: clinical testing. Allele origin: germline. Affected: yes. Observed: 5 variant alleles.

Fulgent Genetics
Classification: Pathogenic for Epilepsy, early-onset, vitamin B6-dependent. Last evaluated: 2022-04-21. Review status: criteria provided, single submitter. Criteria: ACMG Guidelines, 2015. Collection method: clinical testing. Allele origin: unknown.

Rady Children's Institute for Genomic Medicine, Rady Children's Hospital San Diego
Classification: Pathogenic for EPILEPSY, EARLY-ONSET, VITAMIN B6-DEPENDENT. Review status: criteria provided, single submitter. Criteria: ACMG Guidelines, 2015. Collection method: clinical testing. Allele origin: germline. Affected: yes.
Comment: This frameshifting variant in exon 5 of 8 is predicted to result in loss of normal protein function through either protein truncation or nonsense-mediated mRNA decay. This variant has been previously reported as a homozygous change in individuals with Pyridoxine-dependent epilepsy (PMID: 33977028, 30668673). Functional studies have shown that this variant leads to complete absence of the PROSC protein when present in the homozygous state (PMID: 33977028). The c.370_373del (p.Asp124LysfsTer2) variant is present in the heterozygous state in the gnomAD population database at a frequency of 0.007 % (18/251480). Based on the available evidence, the c.370_373del (p.Asp124LysfsTer2) variant is classified as Pathogenic.

Literature cited by the submitters: PubMed 27912044 (cited by Labcorp Genetics (formerly Invitae), Labcorp); PubMed 30160830 (cited by Labcorp Genetics (formerly Invitae), Labcorp); PubMed 33977028 (cited by Labcorp Genetics (formerly Invitae), Labcorp).